The following is an entry in ClinVar:

ClinVar aggregate classification (germline): Uncertain significance. Review status: criteria provided, multiple submitters, no conflicts (2 of 4 stars). 2 submissions from 2 submitters: Uncertain significance (2). Last evaluated 2025-10-07.

Conditions:
Myopathy, tubular aggregate, 2 (TAM2). Identifiers: MedGen C4014557, MONDO:0014383, OMIM 615883.
Combined immunodeficiency due to ORAI1 deficiency. Also called: IMMUNODEFICIENCY 9. Identifiers: Orphanet 169090, Orphanet 317428, MedGen C2748568, MONDO:0013007, OMIM 612782.

Allele frequency attached by ClinVar (database versions not stated): gnomAD exomes 0.00001; gnomAD 0.00003; TOPMed 0.00006.

Submissions (2):

Women's Health and Genetics/Laboratory Corporation of America, LabCorp
Classification: Uncertain significance. Last evaluated: 2025-10-07. Review status: criteria provided, single submitter. Criteria: LabCorp Variant Classification Summary - May 2015. Collection method: clinical testing. Allele origin: germline.
Comment: Variant summary: ORAI1 c.902A>G (p.His301Arg; also annotated as c.896A>G (p.His299Arg)) results in a non-conservative amino acid change in the encoded protein sequence. Algorithms developed to predict the effect of missense changes on protein structure and function are either unavailable or do not agree on the potential impact of this missense change. The variant allele was found at a frequency of 4.1e-06 in 243836 control chromosomes. The available data on variant occurrences in the general population are insufficient to allow any conclusion about variant significance. To our knowledge, no occurrence of c.902A>G in individuals affected with ORAI1-related conditions and no experimental evidence demonstrating its impact on protein function have been reported. ClinVar contains an entry for this variant (Variation ID: 2196787). Based on the evidence outlined above, the variant was classified as uncertain significance.

Labcorp Genetics (formerly Invitae), Labcorp
Classification: Uncertain significance for Myopathy, tubular aggregate, 2; Combined immunodeficiency due to ORAI1 deficiency. Last evaluated: 2022-09-06. Review status: criteria provided, single submitter. Criteria: Invitae Variant Classification Sherloc (09022015). Collection method: clinical testing. Allele origin: germline.
Comment: This sequence change replaces histidine, which is basic and polar, with arginine, which is basic and polar, at codon 299 of the ORAI1 protein (p.His299Arg). This variant is present in population databases (no rsID available, gnomAD 0.004%). This variant has not been reported in the literature in individuals affected with ORAI1-related conditions. Experimental studies and prediction algorithms are not available or were not evaluated, and the functional significance of this variant is currently unknown. In summary, the available evidence is currently insufficient to determine the role of this variant in disease. Therefore, it has been classified as a Variant of Uncertain Significance.

NM_032790.4(ORAI1):c.896A>G (p.His299Arg)

Gene: ORAI1 (ORAI calcium release-activated calcium modulator 1; plus strand). Cytogenetic location: 12q24.31.
Variant type: single nucleotide variant.
Coding change: c.896A>G on transcript NM_032790.4 (MANE Select); coding-DNA position 896, A replaced by G.
Protein change: p.His299Arg; replaces histidine 299 with arginine.
Genome position (GRCh38, 1-based): chr12:121,641,633, A>G. VCF-style: chr12-121641633-A-G. GRCh37 (hg19) VCF-style: chr12-122079539-A-G.
Other names: short protein forms H299R.
Identifiers: ClinVar variation 2196787 (VCV002196787.5), dbSNP rs1018909095, ClinGen allele CA244616957.
Genomic context (GRCh38, chr12:121,641,633, plus strand): 5'-TTGCCCGCTTACAGGACCAGCTGGACCACAGAGGGGACCACCCCCTGACGCCCGGCAGCC[A>G]CTATGCCTAGGCCCATGTGGTCTGGGCCCTTCCAGTGCTTTGGCCTTACGCCCTTCCCCT-3'
Protein context (NP_116179.2, residues 289-301): RGDHPLTPGS[His299Arg]YA